The following is an entry in ClinVar:

NM_001267052.2(UNC45B):c.1208C>T (p.Ser403Leu)

Gene: UNC45B (unc-45 myosin chaperone B; plus strand). Cytogenetic location: 17q12.
Variant type: single nucleotide variant.
Coding change: c.1208C>T on transcript NM_001267052.2 (MANE Select); coding-DNA position 1208, C replaced by T.
Protein change: p.Ser403Leu; replaces serine 403 with leucine.
Molecular consequence: missense variant.
Genome position (GRCh38, 1-based): chr17:35,168,117, C>T. VCF-style: chr17-35168117-C-T. GRCh37 (hg19) VCF-style: chr17-33495136-C-T.
Other names: c.1208C>T, p.Ser403Leu (NM_001033576.2, NM_001308281.1, NM_173167.3); short protein forms S403L.
Identifiers: ClinVar variation 2421830 (VCV002421830.6), dbSNP rs2092154066, ClinGen allele CA399091458.

ClinVar aggregate classification (germline): Uncertain significance (1 of 4 stars; one submission).

Allele frequency attached by ClinVar (database versions not stated): gnomAD exomes below 0.00001; TOPMed below 0.00001.

Submission:

Labcorp Genetics (formerly Invitae), Labcorp
Classification: Uncertain significance. Last evaluated: 2024-01-17. Review status: criteria provided, single submitter. Criteria: Invitae Variant Classification Sherloc (09022015). Collection method: clinical testing. Allele origin: germline.
Comment: This sequence change replaces serine, which is neutral and polar, with leucine, which is neutral and non-polar, at codon 403 of the UNC45B protein (p.Ser403Leu). This variant is not present in population databases (gnomAD no frequency). This variant has not been reported in the literature in individuals affected with UNC45B-related conditions. ClinVar contains an entry for this variant (Variation ID: 2421830). Advanced modeling of protein sequence and biophysical properties (such as structural, functional, and spatial information, amino acid conservation, physicochemical variation, residue mobility, and thermodynamic stability) performed at Invitae indicates that this missense variant is expected to disrupt UNC45B protein function with a positive predictive value of 80%. In summary, the available evidence is currently insufficient to determine the role of this variant in disease. Therefore, it has been classified as a Variant of Uncertain Significance.